The following is an entry in ClinVar:

ClinVar aggregate classification (germline): Conflicting classifications of pathogenicity. Review status: criteria provided, conflicting classifications (1 of 4 stars). 10 submissions from 10 submitters: Uncertain significance (9); Likely benign (1). Last evaluated 2026-09-01.

Conditions:
LZTR1-related schwannomatosis. Also called: Schwannomatosis-2, susceptibility to; Schwannomatosis 2. Identifiers: Orphanet 93921, MedGen C3810283, MONDO:0014299, OMIM 615670.
Noonan syndrome 2 (NS2). Identifiers: Orphanet 648, MedGen C1854469, MONDO:0011531, OMIM 605275.
Noonan syndrome 10 (NS10). Identifiers: Orphanet 648, MedGen C4225280, MONDO:0014693, OMIM 616564.
Hereditary cancer-predisposing syndrome. Also called: Hereditary Cancer Syndrome; Neoplastic Syndromes, Hereditary; Tumor predisposition; Hereditary neoplastic syndrome. Identifiers: Orphanet 140162, MedGen C0027672, MeSH D009386, MONDO:0015356.
Cardiovascular phenotype. Identifiers: MedGen CN230736.

Allele frequency attached by ClinVar (database versions not stated): gnomAD exomes 0.00005 and 0.00004; TOPMed 0.00006; gnomAD 0.00007 and 0.00008; ESP Exome Variant Server 0.00008; ExAC 0.00004.

Submissions (10):

CeGaT Center for Human Genetics Tuebingen
Classification: Uncertain significance. Last evaluated: 2026-09-01. Review status: criteria provided, single submitter. Criteria: CeGaT Center For Human Genetics Tuebingen Variant Classification Criteria Version 2. Collection method: clinical testing. Allele origin: germline. Affected: yes. Observed: 2 variant alleles.

Women's Health and Genetics/Laboratory Corporation of America, LabCorp
Classification: Uncertain significance. Last evaluated: 2026-05-04. Review status: criteria provided, single submitter. Criteria: LabCorp Variant Classification Summary - May 2015. Collection method: clinical testing. Allele origin: germline.

Labcorp Genetics (formerly Invitae), Labcorp
Classification: Uncertain significance. Last evaluated: 2026-01-26. Review status: criteria provided, single submitter. Criteria: Invitae Variant Classification Sherloc (09022015). Collection method: clinical testing. Allele origin: germline.
Comment: This sequence change replaces arginine, which is basic and polar, with cysteine, which is neutral and slightly polar, at codon 619 of the LZTR1 protein (p.Arg619Cys). This variant is present in population databases (rs373488966, gnomAD 0.009%). This variant has not been reported in the literature in individuals affected with LZTR1-related conditions. ClinVar contains an entry for this variant (Variation ID: 561973). Invitae Evidence Modeling of protein sequence and biophysical properties (such as structural, functional, and spatial information, amino acid conservation, physicochemical variation, residue mobility, and thermodynamic stability) indicates that this missense variant is not expected to disrupt LZTR1 protein function with a negative predictive value of 80%. In summary, the available evidence is currently insufficient to determine the role of this variant in disease. Therefore, it has been classified as a Variant of Uncertain Significance.

Ambry Genetics
Classification: Likely benign for Cardiovascular phenotype; Hereditary cancer-predisposing syndrome. Last evaluated: 2024-11-22. Review status: criteria provided, single submitter. Criteria: Ambry Variant Classification Scheme 2023. Collection method: clinical testing. Allele origin: germline.

GeneDx
Classification: Uncertain significance. Last evaluated: 2024-09-27. Review status: criteria provided, single submitter. Criteria: GeneDx Variant Classification Process June 2021. Collection method: clinical testing. Allele origin: germline. Affected: yes.
Comment: In silico analysis indicates that this missense variant does not alter protein structure/function; Has not been previously published as pathogenic or benign to our knowledge

Clinical Genomics Laboratory, Washington University in St. Louis
Classification: Uncertain significance for Noonan syndrome 10; Noonan syndrome 2. Last evaluated: 2024-04-02. Review status: criteria provided, single submitter. Criteria: ACMG Guidelines, 2015. Collection method: clinical testing. Allele origin: germline.
Comment: An LZTR1 c.18553C>T (p.Arg619Cys) variant was identified at a near heterozygous allelic fraction consistent with germline origin. This variant, to our knowledge, has not been reported in the medical literature but has been reported in the ClinVar database as a germline variant of uncertain significance by multiple submitters (ClinVar ID: 561973). This variant is only observed on 82/1,613,234 alleles in the general population (gnomAD v.4.0.0), indicating it is not a common variant. Computational predictors suggest that the variant does not impact LZTR1 function. Due to conflicting information, and based on ACMG/AMP guidelines for variant interpretation (Richards S et al., PMID: 25741868), the clinical significance of this variant is uncertain at this time.

Baylor Genetics
Classification: Uncertain significance for LZTR1-related schwannomatosis. Last evaluated: 2024-03-29. Review status: criteria provided, single submitter. Criteria: ACMG Guidelines, 2015. Collection method: clinical testing. Allele origin: unknown.

St. Jude Molecular Pathology, St. Jude Children's Research Hospital
Classification: Uncertain significance for Noonan syndrome 10. Last evaluated: 2023-12-25. Review status: criteria provided, single submitter. Criteria: St. Jude Assertion Criteria 2020. Collection method: clinical testing. Allele origin: germline.
Comment: The LZTR1 c.1855C>T (p.Arg619Cys) missense change has a maximum frequency of 0.008% in gnomAD v2.1.1. The in silico tool REVEL predicts a benign effect on protein function, but to our knowledge this prediction has not been confirmed by functional studies. To our knowledge, this variant has not been reported in individuals with Noonan syndrome or schwannomatosis. In summary, the evidence currently available is insufficient to determine the clinical significance of this variant. It has therefore been classified as of uncertain significance.

Centre of Medical Genetics, University Hospital Muenster
Classification: Uncertain significance. Last evaluated: 2021-12-20. Review status: criteria provided, single submitter. Criteria: ACMG Guidelines, 2015. Collection method: clinical testing. Allele origin: unknown. Affected: yes. Observed: 1 variant allele, 1 heterozygote.
Comment: ACMG categories: PP6

ARUP Laboratories, Molecular Genetics and Genomics, ARUP Laboratories
Classification: Uncertain significance. Last evaluated: 2020-05-29. Review status: criteria provided, single submitter. Criteria: ARUP Molecular Germline Variant Investigation Process. Collection method: clinical testing. Allele origin: germline.
Comment: The LZTR1 c.1855C>T; p.Arg619Cys variant (rs373488966), to our knowledge, is not reported in the medical literature or gene specific databases. The variant is listed in the ClinVar database (Variation ID: 561973) and in the general population with an overall allele frequency of 0.004% (11/282,526 alleles) in the Genome Aggregation Database. The arginine at codon 619 is moderately conserved and computational analyses (SIFT: Damaging, PolyPhen-2: Benign) predict conflicting effects of this variant on protein structure/function. Due to limited information, the clinical significance of the p.Arg619Cys variant is uncertain at this time.

NM_006767.4(LZTR1):c.1855C>T (p.Arg619Cys)

Gene: LZTR1 (leucine zipper like post translational regulator 1; plus strand). Cytogenetic location: 22q11.21.
Variant type: single nucleotide variant.
Coding change: c.1855C>T on transcript NM_006767.4 (MANE Select); coding-DNA position 1855, C replaced by T.
Protein change: p.Arg619Cys; replaces arginine 619 with cysteine.
Molecular consequence: missense variant.
Genome position (GRCh38, 1-based): chr22:20,994,939, C>T. VCF-style: chr22-20994939-C-T. GRCh37 (hg19) VCF-style: chr22-21349228-C-T.
Other names: short protein forms R619C.
Identifiers: ClinVar variation 561973 (VCV000561973.32), dbSNP rs373488966, ClinGen allele CA10119089.